The following is an entry in ClinVar:

NM_000051.4(ATM):c.7557dup (p.Met2520fs)

Genes: ATM (ATM serine/threonine kinase; plus strand), C11orf65 (chromosome 11 open reading frame 65; minus strand). Cytogenetic location: 11q22.3.
Variant type: Duplication.
Coding change: c.7557dup on transcript NM_000051.4 (MANE Select); coding-DNA position 7557, one base duplicated (T; older notation c.7557dupT).
Protein change: p.Met2520fs; shifts the reading frame from methionine 2520.
Molecular consequence: frameshift variant. On other transcripts: non-coding transcript variant (1), intron variant (2).
Genome position (GRCh38, 1-based): chr11:108,331,485, T duplicated; the last of 2 consecutive T bases (chr11:108,331,484-108,331,485); duplicating either gives the same sequence. VCF-style (leftmost placement, unchanged base first): chr11-108331483-C-CT. GRCh37 (hg19) VCF-style: chr11-108202210-C-CT.
Other names: c.7557dupT (NM_000051.3); c.7557dup, p.Met2520fs (NM_001351834.2); c.641-22413dup (NM_001330368.2); c.*38+3736dup (NM_001351110.2); short protein forms M2520fs.
Identifiers: ClinVar variation 1449675 (VCV001449675.10), dbSNP rs2136493530, ClinGen allele CA2573146719.

ClinVar aggregate classification (germline): Pathogenic. Review status: criteria provided, multiple submitters, no conflicts (2 of 4 stars). 2 submissions from 2 submitters: Pathogenic (2). Last evaluated 2022-12-09.

Conditions:
Hereditary cancer-predisposing syndrome. Also called: Tumor predisposition; Neoplastic Syndromes, Hereditary; Hereditary Cancer Syndrome; Hereditary neoplastic syndrome. Identifiers: Orphanet 140162, MedGen C0027672, MeSH D009386, MONDO:0015356.
Ataxia-telangiectasia syndrome (AT). Also called: Ataxia-telangiectasia; LOUIS-BAR SYNDROME; Ataxia-telangiectasia, complementation group D; AT, COMPLEMENTATION GROUP C; ATAXIA-TELANGIECTASIA, COMPLEMENTATION GROUP A; ATAXIA-TELANGIECTASIA, FRESNO VARIANT. Identifiers: Orphanet 100, MedGen C0004135, MONDO:0008840, OMIM 208900.

Submissions (2):

Ambry Genetics
Classification: Pathogenic for Hereditary cancer-predisposing syndrome. Last evaluated: 2022-12-09. Review status: criteria provided, single submitter. Criteria: Ambry Variant Classification Scheme 2023. Collection method: clinical testing. Allele origin: germline.
Comment: The c.7557dupT variant, located in coding exon 50 of the ATM gene, results from a duplication of T at nucleotide position 7557, causing a translational frameshift with a predicted alternate stop codon (p.M2520Yfs*7). This variant is considered to be rare based on population cohorts in the Genome Aggregation Database (gnomAD). This alteration is expected to result in loss of function by premature protein truncation or nonsense-mediated mRNA decay. As such, this alteration is interpreted as a disease-causing mutation.

Labcorp Genetics (formerly Invitae), Labcorp
Classification: Pathogenic for Ataxia-telangiectasia syndrome. Last evaluated: 2021-11-14. Review status: criteria provided, single submitter. Criteria: Invitae Variant Classification Sherloc (09022015). Collection method: clinical testing. Allele origin: germline.
Comment: For these reasons, this variant has been classified as Pathogenic. This variant has not been reported in the literature in individuals affected with ATM-related conditions. This variant is not present in population databases (gnomAD no frequency). This sequence change creates a premature translational stop signal (p.Met2520Tyrfs*7) in the ATM gene. It is expected to result in an absent or disrupted protein product. Loss-of-function variants in ATM are known to be pathogenic (PMID: 23807571, 25614872).

Literature cited by the submitters: PubMed 23807571 (cited by Labcorp Genetics (formerly Invitae), Labcorp); PubMed 25614872 (cited by Labcorp Genetics (formerly Invitae), Labcorp).